The following is an entry in ClinVar:

NM_004415.4(DSP):c.5807A>T (p.Gln1936Leu)

Gene: DSP (desmoplakin; plus strand). Cytogenetic location: 6p24.3.
Variant type: single nucleotide variant.
Coding change: c.5807A>T on transcript NM_004415.4 (MANE Select); coding-DNA position 5807, A replaced by T.
Protein change: p.Gln1936Leu; replaces glutamine 1936 with leucine.
Molecular consequence: missense variant.
Genome position (GRCh38, 1-based): chr6:7,583,069, A>T. VCF-style: chr6-7583069-A-T. GRCh37 (hg19) VCF-style: chr6-7583302-A-T.
Other names: c.4010A>T, p.Gln1337Leu (NM_001008844.3); c.4478A>T, p.Gln1493Leu (NM_001319034.2); short protein forms Q1936L, Q1493L, Q1337L.
Identifiers: ClinVar variation 922225 (VCV000922225.5), dbSNP rs1759498186, ClinGen allele CA362689455.

ClinVar aggregate classification (germline): Uncertain significance (1 of 4 stars; one submission).

Conditions:
Cardiomyopathy (CMYO). Also called: Cardiomyopathies. Identifiers: Orphanet 167848, MedGen C0878544, MONDO:0004994, HP:0001638. Inheritance: Various modes of inheritance.

gnomAD v4.1: 1 of 1,614,120 alleles (0.000062%); highest among the groups gnomAD compares: South Asian, 0.0011%; no homozygotes.

Submission:

Color Diagnostics, LLC DBA Color Health
Classification: Uncertain significance for Cardiomyopathy. Last evaluated: 2023-12-05. Review status: criteria provided, single submitter. Criteria: ACMG Guidelines, 2015. Collection method: clinical testing. Allele origin: germline.
Comment: This missense variant replaces glutamine with leucine at codon 1936 of the DSP protein. Computational prediction tools and conservation analyses are inconclusive regarding the impact of this variant on the protein function. Computational splicing tools suggest that this variant may not impact RNA splicing. To our knowledge, functional assays have not been performed for this variant nor has this variant been reported in individuals affected with cardiovascular disorders in the literature. This variant has not been identified in the general population by the Genome Aggregation Database (gnomAD). Available evidence is insufficient to determine the role of this variant in disease conclusively. Therefore, this variant is classified as a Variant of Uncertain Significance.